The following is an entry in ClinVar:

ClinVar aggregate classification (germline): Uncertain significance (1 of 4 stars; one submission).

Conditions:
COL4A2-related disorder. Also called: COL4A2-related disorders; COL4A2-related condition.

Allele frequency attached by ClinVar (database versions not stated): gnomAD exomes below 0.00001.
gnomAD v4.1: 1 of 1,614,196 alleles (0.000062%); highest among the groups gnomAD compares: Non-Finnish European, 0.000085%; no homozygotes.

Submission:

PreventionGenetics, part of Exact Sciences
Classification: Uncertain significance for COL4A2-related condition. Last evaluated: 2023-06-10. Review status: criteria provided, single submitter. Criteria: ACMG Guidelines, 2015. Collection method: clinical testing. Allele origin: germline.
Comment: The COL4A2 c.977G>T variant is predicted to result in the amino acid substitution p.Gly326Val. To our knowledge, this variant has not been reported in the literature or in a large population database, indicating this variant is rare. At this time, the clinical significance of this variant is uncertain due to the absence of conclusive functional and genetic evidence.

NM_001846.4(COL4A2):c.977G>T (p.Gly326Val)

Gene: COL4A2 (collagen type IV alpha 2 chain; plus strand). Cytogenetic location: 13q34.
Variant type: single nucleotide variant.
Coding change: c.977G>T on transcript NM_001846.4 (MANE Select); coding-DNA position 977, G replaced by T.
Protein change: p.Gly326Val; replaces glycine 326 with valine.
Molecular consequence: missense variant.
Genome position (GRCh38, 1-based): chr13:110,445,848, G>T. VCF-style: chr13-110445848-G-T. GRCh37 (hg19) VCF-style: chr13-111098195-G-T.
Other names: short protein forms G326V.
Identifiers: ClinVar variation 2629108 (VCV002629108.1), dbSNP rs2502086770, ClinGen allele CA388733222.
Genomic context (GRCh38, chr13:110,445,848, plus strand): 5'-ACATCAGAGACAAAAATTAAAAGCAAATATCTTTCTTGCAGGGAAGCCGAGGCCTGGATG[G>T]CTATCAAGGGCCTGATGGACCCCGGGGACCCAAGGTGAGCCCGTTTCTCATGTCTTTGCC-3'
Protein context (NP_001837.2, residues 316-336): PGQKGSRGLD[Gly326Val]YQGPDGPRGP